The following is an entry in ClinVar:

ClinVar aggregate classification (germline): Uncertain significance (1 of 4 stars; one submission).

Conditions:
Primary ciliary dyskinesia. Also called: Ciliary dyskinesia. Identifiers: Orphanet 244, MedGen C0008780, MONDO:0016575, HP:0012265.

Allele frequency attached by ClinVar (database versions not stated): TOPMed 0.00001.
gnomAD v4.1: 1 of 1,602,854 alleles (0.000062%); no homozygotes.

Submission:

Labcorp Genetics (formerly Invitae), Labcorp
Classification: Uncertain significance for Primary ciliary dyskinesia. Last evaluated: 2022-01-17. Review status: criteria provided, single submitter. Criteria: Invitae Variant Classification Sherloc (09022015). Collection method: clinical testing. Allele origin: germline.
Comment: This sequence change replaces valine, which is neutral and non-polar, with alanine, which is neutral and non-polar, at codon 843 of the CCDC39 protein (p.Val843Ala). This variant is not present in population databases (gnomAD no frequency). This variant has not been reported in the literature in individuals affected with CCDC39-related conditions. Algorithms developed to predict the effect of missense changes on protein structure and function output the following: SIFT: "Tolerated"; PolyPhen-2: "Benign"; Align-GVGD: "Class C0". The alanine amino acid residue is found in multiple mammalian species, which suggests that this missense change does not adversely affect protein function. In summary, the available evidence is currently insufficient to determine the role of this variant in disease. Therefore, it has been classified as a Variant of Uncertain Significance.

NM_181426.2(CCDC39):c.2528T>C (p.Val843Ala)

Genes: CCDC39 (coiled-coil domain 39 molecular ruler complex subunit; minus strand), TTC14 (tetratricopeptide repeat domain 14; plus strand). Cytogenetic location: 3q26.33.
Variant type: single nucleotide variant.
Coding change: c.2528T>C on transcript NM_181426.2 (MANE Select); coding-DNA position 2528, T replaced by C.
Protein change: p.Val843Ala; replaces valine 843 with alanine.
Molecular consequence: missense variant. On other transcripts: intron variant (1).
Genome position (GRCh38, 1-based): chr3:180,616,574, A>G on the plus strand (T>C on the coding strand, the complement: CCDC39 is on the minus strand). VCF-style: chr3-180616574-A-G. GRCh37 (hg19) VCF-style: chr3-180334362-A-G.
Other names: c.1775-806A>G (NM_001288582.2); short protein forms V843A.
Identifiers: ClinVar variation 1900940 (VCV001900940.2), dbSNP rs1213159340, ClinGen allele CA355305193.